The following is an entry in ClinVar:

NM_002880.4(RAF1):c.1807C>A (p.Leu603Met)

Gene: RAF1 (Raf-1 proto-oncogene, serine/threonine kinase; minus strand). Cytogenetic location: 3p25.2.
Variant type: single nucleotide variant.
Coding change: c.1807C>A on transcript NM_002880.4 (MANE Select); coding-DNA position 1807, C replaced by A.
Protein change: p.Leu603Met; replaces leucine 603 with methionine.
Molecular consequence: missense variant. On other transcripts: non-coding transcript variant (3).
Genome position (GRCh38, 1-based): chr3:12,584,654, G>T on the plus strand (C>A on the coding strand, the complement: RAF1 is on the minus strand). VCF-style: chr3-12584654-G-T. GRCh37 (hg19) VCF-style: chr3-12626153-G-T.
Other names: c.1867C>A, p.Leu623Met (NM_001354689.3); c.1807C>A, p.Leu603Met (NM_001354690.3); c.1564C>A, p.Leu522Met (NM_001354691.3, NM_001354692.3); c.1708C>A, p.Leu570Met (NM_001354693.3); c.1624C>A, p.Leu542Met (NM_001354694.3); c.1465C>A, p.Leu489Met (NM_001354695.3); short protein forms L542M, L570M, L522M, L623M, L489M, L603M.
Identifiers: ClinVar variation 1394381 (VCV001394381.6), dbSNP rs1420280008, ClinGen allele CA351496261.

ClinVar aggregate classification (germline): Uncertain significance (1 of 4 stars; one submission).

Conditions:
RASopathy. Also called: rasopathies; Noonan spectrum disorder. Identifiers: Orphanet 536391, MedGen C5555857, MONDO:0021060.

Allele frequency attached by ClinVar (database versions not stated): gnomAD exomes below 0.00001; TOPMed below 0.00001; gnomAD 0.00001.
gnomAD v4.1: 3 of 1,614,016 alleles (0.00019%); highest among the groups gnomAD compares: Non-Finnish European, 0.00025%; no homozygotes.

Submission:

Labcorp Genetics (formerly Invitae), Labcorp
Classification: Uncertain significance for RASopathy. Last evaluated: 2021-08-09. Review status: criteria provided, single submitter. Criteria: Invitae Variant Classification Sherloc (09022015). Collection method: clinical testing. Allele origin: germline.
Comment: This missense change has been observed in individual(s) with clinical features of Noonan syndrome (Invitae). Advanced modeling of protein sequence and biophysical properties (such as structural, functional, and spatial information, amino acid conservation, physicochemical variation, residue mobility, and thermodynamic stability) performed at Invitae indicates that this missense variant is expected to disrupt RAF1 protein function. This variant disrupts the p.Leu603 amino acid residue in RAF1. Other variant(s) that disrupt this residue have been observed in individuals with RAF1-related conditions (PMID: 24777450; Invitae), which suggests that this may be a clinically significant amino acid residue. In summary, the available evidence is currently insufficient to determine the role of this variant in disease. Therefore, it has been classified as a Variant of Uncertain Significance. This variant is not present in population databases (ExAC no frequency). This sequence change replaces leucine with methionine at codon 603 of the RAF1 protein (p.Leu603Met). The leucine residue is highly conserved and there is a small physicochemical difference between leucine and methionine.

Literature cited by the submitters: PubMed 24777450.